The following is an entry in ClinVar:

ClinVar aggregate classification (germline): Uncertain significance (1 of 4 stars; one submission).

gnomAD v4.1: 1 of 1,614,182 alleles (0.000062%); highest among the groups gnomAD compares: Admixed American, 0.0017%; no homozygotes.

Submission:

Labcorp Genetics (formerly Invitae), Labcorp
Classification: Uncertain significance. Last evaluated: 2022-03-14. Review status: criteria provided, single submitter. Criteria: Invitae Variant Classification Sherloc (09022015). Collection method: clinical testing. Allele origin: germline.
Comment: This variant is present in population databases (no rsID available, gnomAD 0.003%). This sequence change replaces glycine, which is neutral and non-polar, with glutamic acid, which is acidic and polar, at codon 396 of the AAAS protein (p.Gly396Glu). In summary, the available evidence is currently insufficient to determine the role of this variant in disease. Therefore, it has been classified as a Variant of Uncertain Significance. Algorithms developed to predict the effect of missense changes on protein structure and function are either unavailable or do not agree on the potential impact of this missense change (SIFT: "Deleterious"; PolyPhen-2: "Possibly Damaging"; Align-GVGD: "Class C0"). This variant has not been reported in the literature in individuals affected with AAAS-related conditions.

NM_015665.6(AAAS):c.1187G>A (p.Gly396Glu)

Gene: AAAS (aladin WD repeat nucleoporin; minus strand). Cytogenetic location: 12q13.13.
Variant type: single nucleotide variant.
Coding change: c.1187G>A on transcript NM_015665.6 (MANE Select); coding-DNA position 1187, G replaced by A.
Protein change: p.Gly396Glu; replaces glycine 396 with glutamic acid.
Molecular consequence: missense variant.
Genome position (GRCh38, 1-based): chr12:53,308,344, C>T on the plus strand (G>A on the coding strand, the complement: AAAS is on the minus strand). VCF-style: chr12-53308344-C-T. GRCh37 (hg19) VCF-style: chr12-53702128-C-T.
Other names: c.1088G>A, p.Gly363Glu (NM_001173466.2); short protein forms G363E, G396E.
Identifiers: ClinVar variation 1975907 (VCV001975907.5), dbSNP rs373268179, ClinGen allele CA385039395.